The following is an entry in ClinVar:

ClinVar aggregate classification (germline): Conflicting classifications of pathogenicity. Review status: criteria provided, conflicting classifications (1 of 4 stars). 2 submissions from 2 submitters: Uncertain significance (1); Likely benign (1). Last evaluated 2025-02-17.

Allele frequency attached by ClinVar (database versions not stated): TOPMed below 0.00001; gnomAD 0.00001; ExAC 0.00002; gnomAD exomes below 0.00001.
gnomAD v4.1: 5 of 1,613,772 alleles (0.00031%); highest among the groups gnomAD compares: Admixed American, 0.005%; no homozygotes.

Submissions (2):

Greenwood Genetic Center Diagnostic Laboratories, Greenwood Genetic Center
Classification: Uncertain significance. Last evaluated: 2025-02-17. Review status: criteria provided, single submitter. Criteria: ACMG Guidelines, 2015. Collection method: clinical testing. Allele origin: germline.
Comment: PM2

Labcorp Genetics (formerly Invitae), Labcorp
Classification: Likely benign. Last evaluated: 2022-08-19. Review status: criteria provided, single submitter. Criteria: Invitae Variant Classification Sherloc (09022015). Collection method: clinical testing. Allele origin: germline.

NM_001083961.2(WDR62):c.3735G>A (p.Leu1245=)

Gene: WDR62 (WD repeat domain 62; plus strand). Cytogenetic location: 19q13.12.
Variant type: single nucleotide variant.
Coding change: c.3735G>A on transcript NM_001083961.2 (MANE Select); coding-DNA position 3735, G replaced by A.
Protein change: p.Leu1245=; no amino-acid change (leucine 1245 retained).
Molecular consequence: synonymous variant.
Genome position (GRCh38, 1-based): chr19:36,103,563, G>A. VCF-style: chr19-36103563-G-A. GRCh37 (hg19) VCF-style: chr19-36594465-G-A.
Other names: c.3384G>A, p.Leu1128= (NM_001411147.1); c.3720G>A, p.Leu1240= (NM_173636.5, NM_001411145.1); c.3486G>A, p.Leu1162= (NM_001411146.1).
Identifiers: ClinVar variation 1927521 (VCV001927521.6), dbSNP rs751353765, ClinGen allele CA9396375.